The following is an entry in ClinVar:

ClinVar aggregate classification (germline): Conflicting classifications of pathogenicity. Review status: criteria provided, conflicting classifications (1 of 4 stars). 12 submissions from 12 submitters: Uncertain significance (2); Benign (1); Likely benign (4). 5 of the submissions do not count toward it. Last evaluated 2026-09-01.

Conditions:
NEB-related disorder. Also called: NEB-related condition; NEB-Related Disorders.
Nemaline myopathy 2 (NEM2). Also called: Nemaline myopathy 2, autosomal recessive. Identifiers: MedGen C1850569, MONDO:0009725, OMIM 256030.

Allele frequency attached by ClinVar (database versions not stated): 1000 Genomes Project 0.00120; 1000 Genomes Project 30x 0.00125; ExAC 0.00244; gnomAD exomes 0.00269 and 0.00393; ESP Exome Variant Server 0.00280; gnomAD 0.00312; TOPMed 0.00315.
gnomAD v4.1: 6,189 of 1,612,620 alleles (0.38%); highest among the groups gnomAD compares: Non-Finnish European, 0.45%; 16 homozygotes.

Submissions (12):

CeGaT Center for Human Genetics Tuebingen
Classification: Likely benign. Last evaluated: 2026-09-01. Review status: criteria provided, single submitter. Criteria: CeGaT Center For Human Genetics Tuebingen Variant Classification Criteria Version 2. Collection method: clinical testing. Allele origin: germline. Affected: yes. Observed: 17 variant alleles.
Comment: NEB: BP4, BS2

Labcorp Genetics (formerly Invitae), Labcorp
Classification: Likely benign for Nemaline myopathy 2. Last evaluated: 2026-02-02. Review status: criteria provided, single submitter. Criteria: Invitae Variant Classification Sherloc (09022015). Collection method: clinical testing. Allele origin: germline.

Blueprint Genetics
Classification: Likely benign. Last evaluated: 2024-11-25. Review status: criteria provided, single submitter. Criteria: ACMG Guidelines, 2015. Collection method: clinical testing. Allele origin: germline.

Mayo Clinic Laboratories, Mayo Clinic
Classification: Benign. Last evaluated: 2024-10-22. Review status: criteria provided, single submitter. Criteria: ACMG Guidelines, 2015. Collection method: clinical testing. Allele origin: germline. Observed: 4 variant alleles.
Comment: BS1, BS2

GeneDx
Classification: Likely benign. Last evaluated: 2020-10-14. Review status: criteria provided, single submitter. Criteria: GeneDx Variant Classification Process June 2021. Collection method: clinical testing. Allele origin: germline. Affected: yes.

Illumina Laboratory Services, Illumina
Classification: Uncertain significance for Nemaline myopathy 2. Last evaluated: 2018-01-12. Review status: criteria provided, single submitter. Criteria: ICSL Variant Classification Criteria 13 December 2019. Collection method: clinical testing. Allele origin: germline.

Eurofins Ntd Llc (ga)
Classification: Uncertain significance. Last evaluated: 2013-07-23. Review status: criteria provided, single submitter. Criteria: EGL Classification Definitions 2015. Collection method: clinical testing. Allele origin: germline. Observed: 2 variant alleles, 2 heterozygotes.

PreventionGenetics, part of Exact Sciences
Classification: Likely benign for NEB-related condition. Last evaluated: 2023-03-08. Review status: no assertion criteria provided. Collection method: clinical testing. Allele origin: germline. Not counted in ClinVar's aggregate classification.
Comment: This variant is classified as likely benign based on ACMG/AMP sequence variant interpretation guidelines (Richards et al. 2015 PMID: 25741868, with internal and published modifications).

Natera, Inc.
Classification: Likely benign for Nemaline myopathy type 2. Last evaluated: 2020-06-06. Review status: no assertion criteria provided. Collection method: clinical testing. Allele origin: germline. Not counted in ClinVar's aggregate classification.

Clinical Genetics DNA and cytogenetics Diagnostics Lab, Erasmus MC, Erasmus Medical Center
Classification: Likely benign. Review status: no assertion criteria provided. Collection method: clinical testing. Allele origin: germline. Affected: yes. Study: VKGL Data-share Consensus. Not counted in ClinVar's aggregate classification.

Genome Diagnostics Laboratory, University Medical Center Utrecht
Classification: Likely benign. Review status: no assertion criteria provided. Collection method: clinical testing. Allele origin: germline. Affected: yes. Study: VKGL Data-share Consensus. Not counted in ClinVar's aggregate classification.

Laboratory of Diagnostic Genome Analysis, Leiden University Medical Center (LUMC)
Classification: Likely benign. Review status: no assertion criteria provided. Collection method: clinical testing. Allele origin: germline. Affected: yes. Study: VKGL Data-share Consensus. Not counted in ClinVar's aggregate classification.

NM_001164508.2(NEB):c.4649A>G (p.Lys1550Arg)

Gene: NEB (nebulin; minus strand). Cytogenetic location: 2q23.3.
Variant type: single nucleotide variant.
Coding change: c.4649A>G on transcript NM_001164508.2 (MANE Select); coding-DNA position 4649, A replaced by G.
Protein change: p.Lys1550Arg; replaces lysine 1550 with arginine.
Molecular consequence: missense variant.
Genome position (GRCh38, 1-based): chr2:151,667,874, T>C on the plus strand (A>G on the coding strand, the complement: NEB is on the minus strand). VCF-style: chr2-151667874-T-C. GRCh37 (hg19) VCF-style: chr2-152524388-T-C.
Other names: c.4649A>G, p.Lys1550Arg (NM_001164507.2, NM_001271208.2, NM_004543.5); short protein forms K1550R.
Identifiers: ClinVar variation 95132 (VCV000095132.72), dbSNP rs114089598, ClinGen allele CA222764.